The following is an entry in ClinVar:

ClinVar aggregate classification (germline): Uncertain significance (1 of 4 stars; one submission).

Conditions:
Kabuki syndrome. Also called: Kabuki make-up syndrome; NIIKAWA-KUROKI SYNDROME. Identifiers: Orphanet 2322, MedGen C0796004, MONDO:0016512.

Submission:

Labcorp Genetics (formerly Invitae), Labcorp
Classification: Uncertain significance for Kabuki syndrome. Last evaluated: 2024-01-30. Review status: criteria provided, single submitter. Criteria: Invitae Variant Classification Sherloc (09022015). Collection method: clinical testing. Allele origin: germline.
Comment: This variant, c.11202_11222dup, results in the insertion of 7 amino acid(s) of the KMT2D protein (p.Gln3739_Gln3745dup), but otherwise preserves the integrity of the reading frame. This variant is not present in population databases (gnomAD no frequency). This variant has not been reported in the literature in individuals affected with KMT2D-related conditions. In summary, the available evidence is currently insufficient to determine the role of this variant in disease. Therefore, it has been classified as a Variant of Uncertain Significance.

NM_003482.4(KMT2D):c.11202GCA[14] (p.Gln3745_His3746insGlnGlnGlnGlnGlnGlnGln)

Gene: KMT2D (lysine methyltransferase 2D; minus strand). Cytogenetic location: 12q13.12.
Variant type: Microsatellite.
Coding change: c.11202GCA[14] on transcript NM_003482.4 (MANE Select); 14 copies in a row of the 3-base unit GCA starting at c.11202; the reference has seven copies in a row; seven copies, 21 bases duplicated.
Protein change: p.Gln3745_His3746insGlnGlnGlnGlnGlnGlnGln.
Molecular consequence: inframe insertion.
Genome position (GRCh38, 1-based): chr12:49,033,483-49,033,503, TGCTGCTGCTGCTGCTGCTGC duplicated on the plus strand (GCAGCAGCAGCAGCAGCAGCA on the coding strand, the reverse complement: KMT2D is on the minus strand). VCF-style (leftmost placement, unchanged base first): chr12-49033482-T-TTGCTGCTGCTGCTGCTGCTGC. GRCh37 (hg19) VCF-style: chr12-49427265-T-TTGCTGCTGCTGCTGCTGCTGC.
Identifiers: ClinVar variation 2710382 (VCV002710382.3), dbSNP rs398123707, ClinGen allele CA2697559196.